The following is an entry in ClinVar:

ClinVar aggregate classification (germline): Uncertain significance (1 of 4 stars; one submission).

Allele frequency attached by ClinVar (database versions not stated): gnomAD exomes below 0.00001.
gnomAD v4.1: 5 of 1,614,216 alleles (0.00031%); highest among the groups gnomAD compares: South Asian, 0.0011%; no homozygotes.

Submission:

Labcorp Genetics (formerly Invitae), Labcorp
Classification: Uncertain significance. Last evaluated: 2024-04-25. Review status: criteria provided, single submitter. Criteria: Invitae Variant Classification Sherloc (09022015). Collection method: clinical testing. Allele origin: germline.
Comment: This sequence change replaces asparagine, which is neutral and polar, with serine, which is neutral and polar, at codon 191 of the ASRGL1 protein (p.Asn191Ser). This variant is not present in population databases (gnomAD no frequency). This variant has not been reported in the literature in individuals affected with ASRGL1-related conditions. ClinVar contains an entry for this variant (Variation ID: 1442690). An algorithm developed to predict the effect of missense changes on protein structure and function (PolyPhen-2) suggests that this variant is likely to be tolerated. In summary, the available evidence is currently insufficient to determine the role of this variant in disease. Therefore, it has been classified as a Variant of Uncertain Significance.

NM_001083926.2(ASRGL1):c.572A>G (p.Asn191Ser)

Gene: ASRGL1 (asparaginase and isoaspartyl peptidase 1; plus strand). Cytogenetic location: 11q12.3.
Variant type: single nucleotide variant.
Coding change: c.572A>G on transcript NM_001083926.2 (MANE Select); coding-DNA position 572, A replaced by G.
Protein change: p.Asn191Ser; replaces asparagine 191 with serine.
Molecular consequence: missense variant.
Genome position (GRCh38, 1-based): chr11:62,389,213, A>G. VCF-style: chr11-62389213-A-G. GRCh37 (hg19) VCF-style: chr11-62156685-A-G.
Other names: c.572A>G, p.Asn191Ser (NM_025080.4); short protein forms N191S.
Identifiers: ClinVar variation 1442690 (VCV001442690.8), dbSNP rs2134701247, ClinGen allele CA380870465.